The following is an entry in ClinVar:

ClinVar aggregate classification (germline): Pathogenic (1 of 4 stars; one submission).

Conditions:
Febrile seizure (within the age range of 3 months to 6 years). Also called: febrile convulsion; Febrile seizures; Febrile seizure. Identifiers: MedGen C0009952, HP:0002373.

Submission:

Anoual Laboratory of Radio-Immuno Analysis
Classification: Pathogenic for Febrile seizures. Last evaluated: 2016-09-28. Review status: criteria provided, single submitter. Criteria: Submitter's publication. Collection method: case-control. Allele origin: unknown. Inheritance: Autosomal dominant inheritance.
Comment: Both seizures were associated with fever (39, 5°C, 38, 7°C respectively) and lasted 2 to 3 minutes. Furthermore, the Transfontanellar ultrasound scan revealed no abnormalities.

NM_001165963.4(SCN1A):c.327C>G (p.Tyr109Ter)

Gene: SCN1A (sodium voltage-gated channel alpha subunit 1; minus strand). Cytogenetic location: 2q24.3.
Variant type: single nucleotide variant.
Coding change: c.327C>G on transcript NM_001165963.4 (MANE Select); coding-DNA position 327, C replaced by G.
Protein change: p.Tyr109Ter; replaces tyrosine 109 with a stop codon.
Molecular consequence: nonsense. On other transcripts: 5 prime UTR variant (1), non-coding transcript variant (1).
Genome position (GRCh38, 1-based): chr2:166,058,626, G>C on the plus strand (C>G on the coding strand, the complement: SCN1A is on the minus strand). VCF-style: chr2-166058626-G-C. GRCh37 (hg19) VCF-style: chr2-166915136-G-C.
Other names: c.327C>G, p.Tyr109Ter (NM_001165964.3, NM_001202435.3, NM_001353948.2 and 10 more transcripts); c.-2099C>G (NM_001353961.2); short protein forms Y109*.
Identifiers: ClinVar variation 437911 (VCV000437911.4), dbSNP rs1553553485, ClinGen allele CA349077040.